The following is an entry in ClinVar:

ClinVar aggregate classification (germline): Uncertain significance (1 of 4 stars; one submission).

Allele frequency attached by ClinVar (database versions not stated): ExAC 0.00001; gnomAD exomes 0.00001; TOPMed 0.00001.
gnomAD v4.1: 16 of 1,612,736 alleles (0.00099%); highest among the groups gnomAD compares: Admixed American, 0.0017%; no homozygotes.

Submission:

Labcorp Genetics (formerly Invitae), Labcorp
Classification: Uncertain significance. Last evaluated: 2022-09-02. Review status: criteria provided, single submitter. Criteria: Invitae Variant Classification Sherloc (09022015). Collection method: clinical testing. Allele origin: germline.
Comment: In summary, the available evidence is currently insufficient to determine the role of this variant in disease. Therefore, it has been classified as a Variant of Uncertain Significance. Algorithms developed to predict the effect of missense changes on protein structure and function are either unavailable or do not agree on the potential impact of this missense change (SIFT: "Not Available"; PolyPhen-2: "Benign"; Align-GVGD: "Not Available"). This variant has not been reported in the literature in individuals affected with IFT88-related conditions. This variant is present in population databases (rs767524689, gnomAD 0.007%). This sequence change replaces isoleucine, which is neutral and non-polar, with threonine, which is neutral and polar, at codon 591 of the IFT88 protein (p.Ile591Thr).

NM_006531.5(IFT88):c.1745T>C (p.Ile582Thr)

Gene: IFT88 (intraflagellar transport 88; plus strand). Cytogenetic location: 13q12.11.
Variant type: single nucleotide variant.
Coding change: c.1745T>C on transcript NM_006531.5 (MANE Select); coding-DNA position 1745, T replaced by C.
Protein change: p.Ile582Thr; replaces isoleucine 582 with threonine.
Molecular consequence: missense variant. On other transcripts: non-coding transcript variant (4).
Genome position (GRCh38, 1-based): chr13:20,643,517, T>C. VCF-style: chr13-20643517-T-C. GRCh37 (hg19) VCF-style: chr13-21217656-T-C.
Other names: c.1688T>C, p.Ile563Thr (NM_001318491.2, NM_001353575.2); c.1772T>C, p.Ile591Thr (NM_001318493.2, NM_001353565.2, NM_001353566.2 and 2 more transcripts); c.1745T>C, p.Ile582Thr (NM_001353568.2, NM_001353572.2); c.1670T>C, p.Ile557Thr (NM_001353569.2, NM_001353570.2, NM_001353576.2 and 1 more transcripts); c.1643T>C, p.Ile548Thr (NM_001353571.2, NM_001353578.2); c.1601T>C, p.Ile534Thr (NM_001353573.2); c.1586T>C, p.Ile529Thr (NM_001353574.2); c.1112T>C, p.Ile371Thr (NM_001353579.2); short protein forms I371T, I529T, I534T, I582T, I563T, I548T, I557T, I591T.
Identifiers: ClinVar variation 2165006 (VCV002165006.4), dbSNP rs767524689, ClinGen allele CA6905526.
Genomic context (GRCh38, chr13:20,643,517, plus strand): 5'-ATGAATTAATGGAAAATCCCAGTCAAGCTATTGAATGGCTAATGCAGGTGGTCAGTGTTA[T>C]TCCAACCGATCCTCAAGTTTTATCTAAGCTAGGAGAATTATATGATCGTGAAGGAGATAA-3'
Protein context (NP_006522.2, residues 572-592): IEWLMQVVSV[Ile582Thr]PTDPQVLSKL